The following is an entry in ClinVar:

ClinVar aggregate classification (germline): Likely benign. Review status: criteria provided, multiple submitters, no conflicts (2 of 4 stars). 5 submissions from 5 submitters: Likely benign (5). Last evaluated 2026-01-15.

Conditions:
Autosomal recessive Alport syndrome (ATS2). Also called: Alport syndrome type 2; ALPORT SYNDROME 2, AUTOSOMAL RECESSIVE; COL4A3-Related Nephropathy; COL4A4 Alport Syndrome and Thin Basement Membrane Nephropathy. Identifiers: Orphanet 63, Orphanet 88919, MedGen C4746745, MONDO:0008762, OMIM 203780.
Benign familial hematuria. Also called: thin basement membrane disease. Identifiers: MedGen C0241908, MONDO:0957317.

Allele frequency attached by ClinVar (database versions not stated): gnomAD exomes 0.00004 and 0.00008; ESP Exome Variant Server 0.00008; gnomAD 0.00027 and 0.00029; TOPMed 0.00035; 1000 Genomes Project 30x 0.00047; 1000 Genomes Project 0.00040; ExAC 0.00010.
gnomAD v4.1: 93 of 1,614,184 alleles (0.0058%); highest among the groups gnomAD compares: African/African-American, 0.1%; no homozygotes.

Submissions (5):

Labcorp Genetics (formerly Invitae), Labcorp
Classification: Likely benign. Last evaluated: 2026-01-15. Review status: criteria provided, single submitter. Criteria: Invitae Variant Classification Sherloc (09022015). Collection method: clinical testing. Allele origin: germline.

Fulgent Genetics
Classification: Likely benign for Hematuria, benign familial, 1; Autosomal recessive Alport syndrome. Last evaluated: 2022-04-15. Review status: criteria provided, single submitter. Criteria: ACMG Guidelines, 2015. Collection method: clinical testing. Allele origin: unknown.

GeneDx
Classification: Likely benign. Last evaluated: 2021-06-21. Review status: criteria provided, single submitter. Criteria: GeneDx Variant Classification Process June 2021. Collection method: clinical testing. Allele origin: germline. Affected: yes.
Comment: This variant is associated with the following publications: (PMID: 27535533)

Blueprint Genetics
Classification: Likely benign. Last evaluated: 2020-09-14. Review status: criteria provided, single submitter. Criteria: ACMG Guidelines, 2015. Collection method: clinical testing. Allele origin: germline.

Laboratory for Molecular Medicine, Mass General Brigham Personalized Medicine
Classification: Likely benign. Last evaluated: 2017-08-23. Review status: criteria provided, single submitter. Criteria: LMM Criteria. Collection method: clinical testing. Allele origin: germline. Observed: 1 variant allele.
Comment: p.Pro1222Pro in exon 39 of COL4A4: This variant is not expected to have clinical significance because it does not alter an amino acid residue and is not located within the splice consensus sequence. It has been identified in 0.09% (9/9792) of African chromosomes by the Exome Aggregation Consortium (ExAC; dbSNP rs372838090).

NM_000092.5(COL4A4):c.3666T>C (p.Pro1222=)

Gene: COL4A4 (collagen type IV alpha 4 chain; minus strand). Cytogenetic location: 2q36.3.
Variant type: single nucleotide variant.
Coding change: c.3666T>C on transcript NM_000092.5 (MANE Select); coding-DNA position 3666, T replaced by C.
Protein change: p.Pro1222=; no amino-acid change (proline 1222 retained).
Molecular consequence: synonymous variant.
Genome position (GRCh38, 1-based): chr2:227,032,188, A>G on the plus strand (T>C on the coding strand, the complement: COL4A4 is on the minus strand). VCF-style: chr2-227032188-A-G. GRCh37 (hg19) VCF-style: chr2-227896904-A-G.
Identifiers: ClinVar variation 930120 (VCV000930120.16), dbSNP rs372838090, ClinGen allele CA2144459.
Genomic context (GRCh38, chr2:227,032,188, plus strand): 5'-CAAAGCATGCTACAGCTTACCTGGGGGTCCTGGGGGACCTTTCTTTCCACGAGGACCTGG[A>G]GGAGAGATTCCTGGGCTCCCAGGGTCTCCTCTCTCCCCTTTTAGCCCAGGTATTCCCACT-3'
Protein context (NP_000083.3, residues 1212-1232): RGDPGSPGIS[Pro1222=]PGPRGKKGPP